The following is an entry in ClinVar:

ClinVar aggregate classification (germline): Uncertain significance (1 of 4 stars; one submission).

gnomAD v4.1: 1 of 1,201,207 alleles (0.000083%); highest among the groups gnomAD compares: Non-Finnish European, 0.00011%; no homozygotes.

Submission:

GeneDx
Classification: Uncertain significance. Last evaluated: 2024-09-30. Review status: criteria provided, single submitter. Criteria: GeneDx Variant Classification Process June 2021. Collection method: clinical testing. Allele origin: germline. Affected: yes.
Comment: Not observed at significant frequency in large population cohorts (gnomAD); In silico analysis indicates that this missense variant does not alter protein structure/function; Has not been previously published as pathogenic or benign to our knowledge

NM_001029896.2(WDR45):c.208A>G (p.Ser70Gly)

Genes: WDR45 (WD repeat domain 45; minus strand), LOC126863256 (BRD4-independent group 4 enhancer GRCh37_chrX:48934848-48936047; plus strand). Cytogenetic location: Xp11.23.
Variant type: single nucleotide variant.
Coding change: c.208A>G on transcript NM_001029896.2 (MANE Select); coding-DNA position 208, A replaced by G.
Protein change: p.Ser70Gly; replaces serine 70 with glycine.
Molecular consequence: missense variant.
Genome position (GRCh38, 1-based): chrX:49,077,670, T>C on the plus strand (A>G on the coding strand, the complement: WDR45 is on the minus strand). VCF-style: chrX-49077670-T-C. GRCh37 (hg19) VCF-style: chrX-48935329-T-C.
Other names: c.208A>G, p.Ser70Gly (NM_007075.4); short protein forms S70G.
Identifiers: ClinVar variation 1314431 (VCV001314431.3), dbSNP rs2147817424, ClinGen allele CA412949099.
Genomic context (GRCh38, chrX:49,077,670, plus strand): 5'-ATCTGGGCCAAAGGGCAGGATGAGGGCACTTACCTGAGATCTCTGAGAACTTGGGACTAC[T>C]ACCACCGCCCACCAAGGCCAGAAGGTTGGAGCGGTGCAGCATCTCCACCAAGCCCATGCT-3'
Protein context (NP_001025067.1, residues 60-80): SNLLALVGGG[Ser70Gly]SPKFSEISVL